The following is an entry in ClinVar:

ClinVar aggregate classification (germline): Uncertain significance (1 of 4 stars; one submission).

Conditions:
KSR2-related disorder. Also called: KSR2-related condition.

Submission:

PreventionGenetics, part of Exact Sciences
Classification: Uncertain significance for KSR2-related condition. Last evaluated: 2025-05-15. Review status: criteria provided, single submitter. Criteria: ACMG Guidelines, 2015. Collection method: clinical testing. Allele origin: germline.
Comment: The KSR2 c.2345G>C variant is predicted to result in the amino acid substitution p.Gly782Ala. To our knowledge, this variant has not been reported in the literature or in a large population database (gnomAD), indicating this variant is rare. At this time, the clinical significance of this variant is uncertain due to the absence of conclusive functional and genetic evidence.

NM_173598.6(KSR2):c.2432G>C (p.Gly811Ala)

Gene: KSR2 (kinase suppressor of ras 2; minus strand). Cytogenetic location: 12q24.22.
Variant type: single nucleotide variant.
Coding change: c.2432G>C on transcript NM_173598.6 (MANE Select); coding-DNA position 2432, G replaced by C.
Protein change: p.Gly811Ala; replaces glycine 811 with alanine.
Molecular consequence: missense variant.
Genome position (GRCh38, 1-based): chr12:117,484,434, C>G on the plus strand (G>C on the coding strand, the complement: KSR2 is on the minus strand). VCF-style: chr12-117484434-C-G. GRCh37 (hg19) VCF-style: chr12-117922239-C-G.
Other names: short protein forms G811A.
Identifiers: ClinVar variation 5001203 (VCV005001203.1).